The following is an entry in ClinVar:

NC_000023.10:g.(?_37545043)_(37591384_?)dup

Gene: XK (X-linked Kx blood group antigen, Kell and VPS13A binding protein; plus strand). Cytogenetic location: Xp21.1.
Variant type: Duplication.
Identifiers: ClinVar variation 4848433 (VCV004848433.1).

ClinVar aggregate classification (germline): Uncertain significance (1 of 4 stars; one submission).

Submission:

Women's Health and Genetics/Laboratory Corporation of America, LabCorp
Classification: Uncertain significance. Last evaluated: 2026-04-17. Review status: criteria provided, single submitter. Criteria: LabCorp Variant Classification Summary - May 2015. Collection method: clinical testing. Allele origin: germline.
Comment: Variant summary: The variant involves the duplication of exons 1-3 in the XK gene. A presumed nomenclature of c.(?_-172)_(*3669_?)dup has been designated for the purposes of this classification. This duplication includes the entire coding sequence of the gene. As exact breakpoints are unknown, it may extend beyond the annotated region of the gene, to include other flanking genes. The variant was absent in 95202 control chromosomes in the gnomAD database (Structural Variants v4.1 dataset). The available data on variant occurrences in the general population are insufficient to allow any conclusion about variant significance. This report does not provide unequivocal conclusions about association of the variant with McLeod Neuroacanthocytosis Syndrome. To our knowledge, no experimental evidence demonstrating an impact on protein function has been reported. No submitters have cited clinical-significance assessments for this variant to ClinVar. Based on the evidence outlined above, the variant was classified as uncertain significance.

Literature cited by the submitters: PubMed 19449031.